The following is an entry in ClinVar:

ClinVar aggregate classification (germline): Uncertain significance (1 of 4 stars; one submission).

Conditions:
Cone-rod dystrophy 13 (CORD13). Identifiers: Orphanet 1872, MedGen C2750720, MONDO:0011987, OMIM 608194.
Leber congenital amaurosis 6 (LCA6). Identifiers: Orphanet 65, MedGen C1854260, MONDO:0013446, OMIM 613826.

gnomAD v4.1: 1 of 1,613,594 alleles (0.000062%); no homozygotes.

Submission:

Labcorp Genetics (formerly Invitae), Labcorp
Classification: Uncertain significance for Leber congenital amaurosis 6; Cone-rod dystrophy 13. Last evaluated: 2022-02-24. Review status: criteria provided, single submitter. Criteria: Invitae Variant Classification Sherloc (09022015). Collection method: clinical testing. Allele origin: germline.
Comment: In summary, the available evidence is currently insufficient to determine the role of this variant in disease. Therefore, it has been classified as a Variant of Uncertain Significance. Algorithms developed to predict the effect of missense changes on protein structure and function are either unavailable or do not agree on the potential impact of this missense change (SIFT: "Deleterious"; PolyPhen-2: "Possibly Damaging"; Align-GVGD: "Class C15"). This variant has not been reported in the literature in individuals affected with RPGRIP1-related conditions. This variant is not present in population databases (gnomAD no frequency). This sequence change replaces glycine, which is neutral and non-polar, with arginine, which is basic and polar, at codon 978 of the RPGRIP1 protein (p.Gly978Arg).

NM_020366.4(RPGRIP1):c.2932G>C (p.Gly978Arg)

Gene: RPGRIP1 (RPGR interacting protein 1; plus strand). Cytogenetic location: 14q11.2.
Variant type: single nucleotide variant.
Coding change: c.2932G>C on transcript NM_020366.4 (MANE Select); coding-DNA position 2932, G replaced by C.
Protein change: p.Gly978Arg; replaces glycine 978 with arginine.
Molecular consequence: missense variant.
Genome position (GRCh38, 1-based): chr14:21,328,460, G>C. VCF-style: chr14-21328460-G-C. GRCh37 (hg19) VCF-style: chr14-21796619-G-C.
Other names: c.910G>C, p.Gly304Arg (NM_001377523.1, NM_001377950.1); c.1858G>C, p.Gly620Arg (NM_001377948.1); c.1018G>C, p.Gly340Arg (NM_001377949.1); c.412G>C, p.Gly138Arg (NM_001377951.1); short protein forms G620R, G978R, G138R, G304R, G340R.
Identifiers: ClinVar variation 2081351 (VCV002081351.4), dbSNP rs754582695, ClinGen allele CA388870944.